The following is an entry in ClinVar:

ClinVar aggregate classification (germline): Uncertain significance (1 of 4 stars; one submission).

Conditions:
Dyskeratosis congenita, autosomal dominant 1 (DKCA1). Also called: Dyskeratosis congenita Scoggins type. Identifiers: Orphanet 1775, MedGen C4551974, MONDO:0007485, OMIM 127550. Inheritance: Variable.

Allele frequency attached by ClinVar (database versions not stated): gnomAD exomes below 0.00001.
gnomAD v4.1: 2 of 747,830 alleles (0.00027%); highest among the groups gnomAD compares: Non-Finnish European, 0.00049%; no homozygotes.

Submission:

Labcorp Genetics (formerly Invitae), Labcorp
Classification: Uncertain significance for Dyskeratosis congenita, autosomal dominant 1. Last evaluated: 2024-10-16. Review status: criteria provided, single submitter. Criteria: Invitae Variant Classification Sherloc (09022015). Collection method: clinical testing. Allele origin: germline.
Comment: This variant occurs in the TERC gene, which encodes an RNA molecule that does not result in a protein product. This variant is not present in population databases (gnomAD no frequency). This variant has not been reported in the literature in individuals affected with TERC-related conditions. ClinVar contains an entry for this variant (Variation ID: 1503470). This variant is located within the BoxH/ACA scaRNA domain of the TERC RNA component, which is required for telomerase activity (PMID: 21844345). In summary, the available evidence is currently insufficient to determine the role of this variant in disease. Therefore, it has been classified as a Variant of Uncertain Significance.

Literature cited by the submitters: PubMed 21844345.

NC_000003.12:g.169764653G>A

Gene: TERC (telomerase RNA component; minus strand). Cytogenetic location: 3q26.2.
Variant type: single nucleotide variant.
Genome position: GRCh38 VCF-style: chr3-169764653-G-A. GRCh37 (hg19) VCF-style: chr3-169482441-G-A.
Identifiers: ClinVar variation 1503470 (VCV001503470.8), dbSNP rs199422284, ClinGen allele CA436714813.